The following is an entry in ClinVar:

NM_000359.3(TGM1):c.1056A>G (p.Pro352=)

Gene: TGM1 (transglutaminase 1; minus strand). Cytogenetic location: 14q12.
Variant type: single nucleotide variant.
Coding change: c.1056A>G on transcript NM_000359.3 (MANE Select); coding-DNA position 1056, A replaced by G.
Protein change: p.Pro352=; no amino-acid change (proline 352 retained).
Molecular consequence: synonymous variant.
Genome position (GRCh38, 1-based): chr14:24,259,178, T>C on the plus strand (A>G on the coding strand, the complement: TGM1 is on the minus strand). VCF-style: chr14-24259178-T-C. GRCh37 (hg19) VCF-style: chr14-24728384-T-C.
Other names: c.1056A>G (NM_000359.2).
Identifiers: ClinVar variation 1115867 (VCV001115867.8), dbSNP rs1012606059, ClinGen allele CA257898636.

ClinVar aggregate classification (germline): Likely benign. Review status: criteria provided, single submitter (1 of 4 stars). 2 submissions from 2 submitters: Likely benign (1). 1 of the submissions does not count toward it. Last evaluated 2024-02-29.

Conditions:
TGM1-related disorder. Also called: TGM1-related condition.

Allele frequency attached by ClinVar (database versions not stated): gnomAD exomes below 0.00001 and 0.00003; TOPMed 0.00003; gnomAD 0.00004.

Submissions (2):

Labcorp Genetics (formerly Invitae), Labcorp
Classification: Likely benign. Last evaluated: 2024-02-29. Review status: criteria provided, single submitter. Criteria: Invitae Variant Classification Sherloc (09022015). Collection method: clinical testing. Allele origin: germline.

PreventionGenetics, part of Exact Sciences
Classification: Likely benign for TGM1-related condition. Last evaluated: 2019-08-15. Review status: no assertion criteria provided. Collection method: clinical testing. Allele origin: germline. Not counted in ClinVar's aggregate classification.
Comment: This variant is classified as likely benign based on ACMG/AMP sequence variant interpretation guidelines (Richards et al. 2015 PMID: 25741868, with internal and published modifications).